The following is an entry in ClinVar:

NM_003194.5(TBP):c.225GCA[22] (p.Gln95_Ala96insGlnGlnGln)

Genes: TBP (TATA-box binding protein; plus strand), LOC108663996 (TATA-box binding protein repeat instability region; plus strand). Cytogenetic location: 6q27.
Variant type: Microsatellite.
Coding change: c.225GCA[22] on transcript NM_003194.5 (MANE Select); 22 copies in a row of the 3-base unit GCA starting at c.225; the reference has 19 copies in a row; three copies, 9 bases duplicated; also written c.273_281dup.
Protein change: p.Gln95_Ala96insGlnGlnGln.
Molecular consequence: inframe insertion.
Genome position (GRCh38, 1-based): chr6:170,562,009-170,562,017, GCAGCAGCA duplicated; duplicating any 9 consecutive bases within chr6:170,561,959-170,562,017 gives the same sequence; the position shown is the placement nearest the transcript's 3' end. VCF-style (leftmost placement, unchanged base first): chr6-170561958-A-ACAGCAGCAG. GRCh37 (hg19) VCF-style: chr6-170871046-A-ACAGCAGCAG.
Other names: p.Gln93_Gln95dup; c.273_281dup (NM_003194.5); c.165GCA[22], p.Gln75_Ala76insGlnGlnGln (NM_001172085.2).
Identifiers: ClinVar variation 4683238 (VCV004683238.1).

ClinVar aggregate classification (germline): Benign (1 of 4 stars; one submission).

Submission:

Mayo Clinic Laboratories, Mayo Clinic
Classification: Benign. Last evaluated: 2024-03-15. Review status: criteria provided, single submitter. Criteria: ACMG Guidelines, 2015. Collection method: clinical testing. Allele origin: germline. Observed: 4 variant alleles.
Comment: BS1, BS2, BP3